The following is an entry in ClinVar:

ClinVar aggregate classification (germline): Uncertain significance (1 of 4 stars; one submission).

Submission:

Dasa
Classification: Uncertain significance. Last evaluated: 2025-06-20. Review status: criteria provided, single submitter. Criteria: DASA Assertion Criteria. Collection method: clinical testing. Allele origin: germline.
Comment: NM_006842.3(SF3B2):c.121G>C (p.Ala41Pro) is a missense variant that results in the substitution of alanine with proline. This variant is absent from population databases. Computational prediction algorithms are consistent with a benign effect. The currently available literature and clinical evidence are not sufficient to establish a definitive association between this variant and the reported condition. Therefore, this variant is classified as a variant of uncertain significance.

NM_006842.3(SF3B2):c.121G>C (p.Ala41Pro)

Genes: SF3B2 (splicing factor 3b subunit 2; plus strand), LOC130006094 (ATAC-STARR-seq lymphoblastoid active region 5028; plus strand). Cytogenetic location: 11q13.1.
Variant type: single nucleotide variant.
Coding change: c.121G>C on transcript NM_006842.3 (MANE Select); coding-DNA position 121, G replaced by C.
Protein change: p.Ala41Pro; replaces alanine 41 with proline.
Molecular consequence: missense variant.
Genome position (GRCh38, 1-based): chr11:66,052,505, G>C. VCF-style: chr11-66052505-G-C. GRCh37 (hg19) VCF-style: chr11-65819976-G-C.
Other names: short protein forms A41P.
Identifiers: ClinVar variation 4885634 (VCV004885634.2).